The following is an entry in ClinVar:

ClinVar aggregate classification (germline): Uncertain significance. Review status: criteria provided, multiple submitters, no conflicts (2 of 4 stars). 2 submissions from 2 submitters: Uncertain significance (2). Last evaluated 2022-02-08.

Conditions:
Mowat-Wilson syndrome (MOWS). Also called: Classic Mowat-Wilson Syndrome. Identifiers: Orphanet 2152, MedGen C1856113, MONDO:0009341, OMIM 235730.

Allele frequency attached by ClinVar (database versions not stated): gnomAD 0.00001; gnomAD exomes 0.00002 and 0.00003; ExAC 0.00004; 1000 Genomes Project 30x 0.00016; 1000 Genomes Project 0.00020.
gnomAD v4.1: 23 of 1,613,912 alleles (0.0014%); highest among the groups gnomAD compares: South Asian, 0.025%; 1 homozygote.

Submissions (2):

Fulgent Genetics
Classification: Uncertain significance for Mowat-Wilson syndrome. Last evaluated: 2022-02-08. Review status: criteria provided, single submitter. Criteria: ACMG Guidelines, 2015. Collection method: clinical testing. Allele origin: unknown.

Labcorp Genetics (formerly Invitae), Labcorp
Classification: Uncertain significance for Mowat-Wilson syndrome. Last evaluated: 2019-09-11. Review status: criteria provided, single submitter. Criteria: Invitae Variant Classification Sherloc (09022015). Collection method: clinical testing. Allele origin: germline.
Comment: This sequence change replaces proline with histidine at codon 1176 of the ZEB2 protein (p.Pro1176His). The proline residue is highly conserved and there is a moderate physicochemical difference between proline and histidine. This variant is present in population databases (rs568337755, ExAC 0.03%). This variant has not been reported in the literature in individuals with ZEB2-related conditions. Algorithms developed to predict the effect of missense changes on protein structure and function are either unavailable or do not agree on the potential impact of this missense change (SIFT: "Deleterious"; PolyPhen-2: "Possibly Damaging"; Align-GVGD: "Class C0"). In summary, the available evidence is currently insufficient to determine the role of this variant in disease. Therefore, it has been classified as a Variant of Uncertain Significance.

NM_014795.4(ZEB2):c.3527C>A (p.Pro1176His)

Gene: ZEB2 (zinc finger E-box binding homeobox 2; minus strand). Cytogenetic location: 2q22.3.
Variant type: single nucleotide variant.
Coding change: c.3527C>A on transcript NM_014795.4 (MANE Select); coding-DNA position 3527, C replaced by A.
Protein change: p.Pro1176His; replaces proline 1176 with histidine.
Molecular consequence: missense variant.
Genome position (GRCh38, 1-based): chr2:144,389,569, G>T on the plus strand (C>A on the coding strand, the complement: ZEB2 is on the minus strand). VCF-style: chr2-144389569-G-T. GRCh37 (hg19) VCF-style: chr2-145147136-G-T.
Other names: c.3455C>A, p.Pro1152His (NM_001171653.2); short protein forms P1152H, P1176H.
Identifiers: ClinVar variation 935467 (VCV000935467.2), dbSNP rs568337755, ClinGen allele CA1898107.